The following is an entry in ClinVar:

NM_183050.4(BCKDHB):c.56_57del (p.Ala19fs)

Gene: BCKDHB (branched chain keto acid dehydrogenase E1 subunit beta; plus strand). Cytogenetic location: 6q14.1.
Variant type: Deletion.
Coding change: c.56_57del on transcript NM_183050.4 (MANE Select); coding-DNA positions 56 to 57, 2 bases deleted (CT; older notation c.56_57delCT).
Protein change: p.Ala19fs; shifts the reading frame from alanine 19.
Molecular consequence: frameshift variant. On other transcripts: non-coding transcript variant (1), intron variant (1).
Genome position (GRCh38, 1-based): chr6:80,106,749-80,106,750, CT deleted. VCF-style (leftmost placement, unchanged base first): chr6-80106748-GCT-G. GRCh37 (hg19) VCF-style: chr6-80816465-GCT-G.
Other names: c.56_57del, p.Ala19fs (NM_000056.5); c.-15+66_-15+67del (NM_001318975.1); short protein forms A19fs.
Identifiers: ClinVar variation 1724915 (VCV001724915.2), dbSNP rs2533311246, ClinGen allele CA2580075911.

ClinVar aggregate classification (germline): Likely pathogenic (1 of 4 stars; one submission).

Conditions:
Maple syrup urine disease (MSUD). Identifiers: Orphanet 511, MedGen C0024776, MeSH D008375, MONDO:0009563. Disease mechanism: loss of function.

Submission:

Myriad Genetics, Inc.
Classification: Likely pathogenic for Maple syrup urine disease type 1A. Last evaluated: 2022-03-02. Review status: criteria provided, single submitter. Criteria: Myriad Women's Health Autosomal Recessive and X-Linked Classification Criteria (2021). Collection method: clinical testing. Allele origin: unknown.
Comment: NM_183050.2(BCKDHB):c.56_57delCT(A19Gfs*64) is expected to be pathogenic in the context of maple syrup urine disease type Ib. This variant is predicted to lead to an abnormal or absent protein product due to the creation of a premature termination codon in BCKDHB, a gene where loss-of-function variants are known to be pathogenic. Please note: this variant was assessed in the context of healthy population screening.